The following is an entry in ClinVar:

ClinVar aggregate classification (germline): Pathogenic (1 of 4 stars; one submission).

Conditions:
Goldberg-Shprintzen syndrome. Identifiers: Orphanet 66629, MedGen C1836123, MONDO:0012280, OMIM 609460.

Allele frequency attached by ClinVar (database versions not stated): TOPMed below 0.00001; ExAC 0.00001; gnomAD exomes 0.00001.
gnomAD v4.1: 8 of 1,614,044 alleles (0.0005%); no homozygotes.

Submission:

Laboratory of Medical Genetics, National & Kapodistrian University of Athens
Classification: Pathogenic for Goldberg-Shprintzen syndrome. Last evaluated: 2021-08-10. Review status: criteria provided, single submitter. Criteria: ACMG Guidelines, 2015. Collection method: clinical testing. Allele origin: paternal. Affected: yes.
Comment: PVS1, PM2, PP3

NM_015634.4(KIFBP):c.1535C>G (p.Ser512Ter)

Gene: KIFBP (kinesin family binding protein; plus strand). Cytogenetic location: 10q22.1.
Variant type: single nucleotide variant.
Coding change: c.1535C>G on transcript NM_015634.4 (MANE Select); coding-DNA position 1535, C replaced by G.
Protein change: p.Ser512Ter; replaces serine 512 with a stop codon.
Molecular consequence: nonsense.
Genome position (GRCh38, 1-based): chr10:69,016,085, C>G. VCF-style: chr10-69016085-C-G. GRCh37 (hg19) VCF-style: chr10-70775841-C-G.
Other names: short protein forms S512*.
Identifiers: ClinVar variation 1299542 (VCV001299542.1), dbSNP rs757081898, ClinGen allele CA5529915.